The following is an entry in ClinVar:

NM_000474.4(TWIST1):c.142G>A (p.Gly48Ser)

Gene: TWIST1 (twist family bHLH transcription factor 1; minus strand). Cytogenetic location: 7p21.1.
Variant type: single nucleotide variant.
Coding change: c.142G>A on transcript NM_000474.4 (MANE Select); coding-DNA position 142, G replaced by A.
Protein change: p.Gly48Ser; replaces glycine 48 with serine.
Molecular consequence: missense variant. On other transcripts: non-coding transcript variant (1).
Genome position (GRCh38, 1-based): chr7:19,117,180, C>T on the plus strand (G>A on the coding strand, the complement: TWIST1 is on the minus strand). VCF-style: chr7-19117180-C-T. GRCh37 (hg19) VCF-style: chr7-19156803-C-T.
Other names: short protein forms G48S.
Identifiers: ClinVar variation 2141955 (VCV002141955.4), dbSNP rs2486051494, ClinGen allele CA367016057.

ClinVar aggregate classification (germline): Uncertain significance (1 of 4 stars; one submission).

Conditions:
TWIST1-related craniosynostosis (CRS1). Also called: CRANIOSYNOSTOSIS 1. Identifiers: Orphanet 63440, MedGen C4551902, MONDO:0007399, OMIM 123100. Inheritance: Heterogenous inheritance pattern.
Saethre-Chotzen syndrome (SCS). Also called: ACROCEPHALY, SKULL ASYMMETRY, AND MILD SYNDACTYLY; ACS III; CHOTZEN SYNDROME. Identifiers: Orphanet 794, MedGen C0175699, MONDO:0007042, OMIM 101400.

Submission:

Labcorp Genetics (formerly Invitae), Labcorp
Classification: Uncertain significance for TWIST1-related craniosynostosis; Saethre-Chotzen syndrome. Last evaluated: 2022-05-25. Review status: criteria provided, single submitter. Criteria: Invitae Variant Classification Sherloc (09022015). Collection method: clinical testing. Allele origin: germline.
Comment: In summary, the available evidence is currently insufficient to determine the role of this variant in disease. Therefore, it has been classified as a Variant of Uncertain Significance. Algorithms developed to predict the effect of missense changes on protein structure and function are either unavailable or do not agree on the potential impact of this missense change (SIFT: "Tolerated"; PolyPhen-2: "Not Available"; Align-GVGD: "Class C0"). This variant has not been reported in the literature in individuals affected with TWIST1-related conditions. This variant is not present in population databases (gnomAD no frequency). This sequence change replaces glycine, which is neutral and non-polar, with serine, which is neutral and polar, at codon 48 of the TWIST1 protein (p.Gly48Ser).